The following is an entry in ClinVar:

ClinVar aggregate classification (germline): Uncertain significance (1 of 4 stars; one submission).

Allele frequency attached by ClinVar (database versions not stated): gnomAD 0.00001; gnomAD exomes 0.00001.
gnomAD v4.1: 18 of 1,547,316 alleles (0.0012%); highest among the groups gnomAD compares: Admixed American, 0.002%; no homozygotes.

Submission:

Labcorp Genetics (formerly Invitae), Labcorp
Classification: Uncertain significance. Last evaluated: 2021-09-24. Review status: criteria provided, single submitter. Criteria: Invitae Variant Classification Sherloc (09022015). Collection method: clinical testing. Allele origin: germline.
Comment: This sequence change replaces isoleucine with phenylalanine at codon 215 of the CPLANE1 protein (p.Ile215Phe). The isoleucine residue is weakly conserved and there is a small physicochemical difference between isoleucine and phenylalanine. This variant is not present in population databases (ExAC no frequency). This variant has not been reported in the literature in individuals affected with CPLANE1-related conditions. Advanced modeling of protein sequence and biophysical properties (such as structural, functional, and spatial information, amino acid conservation, physicochemical variation, residue mobility, and thermodynamic stability) performed at Invitae indicates that this missense variant is not expected to disrupt CPLANE1 protein function. In summary, the available evidence is currently insufficient to determine the role of this variant in disease. Therefore, it has been classified as a Variant of Uncertain Significance.

NM_001384732.1(CPLANE1):c.643A>T (p.Ile215Phe)

Gene: CPLANE1 (ciliogenesis and planar polarity effector complex subunit 1; minus strand). Cytogenetic location: 5p13.2.
Variant type: single nucleotide variant.
Coding change: c.643A>T on transcript NM_001384732.1 (MANE Select); coding-DNA position 643, A replaced by T.
Protein change: p.Ile215Phe; replaces isoleucine 215 with phenylalanine.
Molecular consequence: missense variant.
Genome position (GRCh38, 1-based): chr5:37,243,047, T>A on the plus strand (A>T on the coding strand, the complement: CPLANE1 is on the minus strand). VCF-style: chr5-37243047-T-A. GRCh37 (hg19) VCF-style: chr5-37243149-T-A.
Other names: c.643A>T, p.Ile215Phe (NM_023073.4); short protein forms I215F.
Identifiers: ClinVar variation 1392390 (VCV001392390.6), dbSNP rs1305198780, ClinGen allele CA359519053.